The following is an entry in ClinVar:

NM_033305.3(VPS13A):c.4157G>A (p.Arg1386His)

Gene: VPS13A (vacuolar protein sorting 13 homolog A; plus strand). Cytogenetic location: 9q21.2.
Variant type: single nucleotide variant.
Coding change: c.4157G>A on transcript NM_033305.3 (MANE Select); coding-DNA position 4157, G replaced by A.
Protein change: p.Arg1386His; replaces arginine 1386 with histidine.
Molecular consequence: missense variant.
Genome position (GRCh38, 1-based): chr9:77,314,034, G>A. VCF-style: chr9-77314034-G-A. GRCh37 (hg19) VCF-style: chr9-79928950-G-A.
Other names: c.4040G>A, p.Arg1347His (NM_001018037.2); c.4157G>A, p.Arg1386His (NM_001018038.3, NM_015186.4); c.4157G>A (NM_033305.2); short protein forms R1347H, R1386H.
Identifiers: ClinVar variation 2078716 (VCV002078716.2), dbSNP rs758635064, ClinGen allele CA5092454.

ClinVar aggregate classification (germline): Uncertain significance. Review status: criteria provided, multiple submitters, no conflicts (2 of 4 stars). 2 submissions from 2 submitters: Uncertain significance (2). Last evaluated 2025-09-26.

Conditions:
Inborn genetic diseases. Identifiers: MedGen C0950123, MeSH D030342.

Allele frequency attached by ClinVar (database versions not stated): gnomAD 0.00003.
gnomAD v4.1: 27 of 1,613,138 alleles (0.0017%); highest among the groups gnomAD compares: South Asian, 0.0033%; no homozygotes.

Submissions (2):

Ambry Genetics
Classification: Uncertain significance for Inborn genetic diseases. Last evaluated: 2025-09-26. Review status: criteria provided, single submitter. Criteria: Ambry Variant Classification Scheme 2023. Collection method: clinical testing. Allele origin: germline.

Labcorp Genetics (formerly Invitae), Labcorp
Classification: Uncertain significance. Last evaluated: 2022-07-08. Review status: criteria provided, single submitter. Criteria: Invitae Variant Classification Sherloc (09022015). Collection method: clinical testing. Allele origin: germline.
Comment: This sequence change replaces arginine, which is basic and polar, with histidine, which is basic and polar, at codon 1386 of the VPS13A protein (p.Arg1386His). This variant is present in population databases (rs758635064, gnomAD 0.004%). This variant has not been reported in the literature in individuals affected with VPS13A-related conditions. Algorithms developed to predict the effect of missense changes on protein structure and function output the following: SIFT: "Tolerated"; PolyPhen-2: "Benign"; Align-GVGD: "Class C0". The histidine amino acid residue is found in multiple mammalian species, which suggests that this missense change does not adversely affect protein function. In summary, the available evidence is currently insufficient to determine the role of this variant in disease. Therefore, it has been classified as a Variant of Uncertain Significance.